The following is an entry in ClinVar:

ClinVar aggregate classification (germline): Uncertain significance (1 of 4 stars; one submission).

gnomAD v4.1: 1 of 1,613,694 alleles (0.000062%); highest among the groups gnomAD compares: Admixed American, 0.0017%; no homozygotes.

Submission:

Labcorp Genetics (formerly Invitae), Labcorp
Classification: Uncertain significance. Last evaluated: 2025-11-13. Review status: criteria provided, single submitter. Criteria: Invitae Variant Classification Sherloc (09022015). Collection method: clinical testing. Allele origin: germline.
Comment: This sequence change replaces valine, which is neutral and non-polar, with alanine, which is neutral and non-polar, at codon 142 of the CDH2 protein (p.Val142Ala). This variant is present in population databases (no rsID available, gnomAD 0.1%). This variant has not been reported in the literature in individuals affected with CDH2-related conditions. An algorithm developed to predict the effect of missense changes on protein structure and function (PolyPhen-2) suggests that this variant is likely to be tolerated. In summary, the available evidence is currently insufficient to determine the role of this variant in disease. Therefore, it has been classified as a Variant of Uncertain Significance.

NM_001792.5(CDH2):c.425T>C (p.Val142Ala)

Gene: CDH2 (cadherin 2; minus strand). Cytogenetic location: 18q12.1.
Variant type: single nucleotide variant.
Coding change: c.425T>C on transcript NM_001792.5 (MANE Select); coding-DNA position 425, T replaced by C.
Protein change: p.Val142Ala; replaces valine 142 with alanine.
Molecular consequence: missense variant.
Genome position (GRCh38, 1-based): chr18:28,011,967, A>G on the plus strand (T>C on the coding strand, the complement: CDH2 is on the minus strand). VCF-style: chr18-28011967-A-G. GRCh37 (hg19) VCF-style: chr18-25591931-A-G.
Other names: c.332T>C, p.Val111Ala (NM_001308176.2); short protein forms V142A, V111A.
Identifiers: ClinVar variation 4752442 (VCV004752442.1).